The following is an entry in ClinVar:

ClinVar aggregate classification (germline): Likely benign (1 of 4 stars; one submission).

Submission:

Geisinger Autism and Developmental Medicine Institute, Geisinger Health System
Classification: Likely benign. Last evaluated: 2018-02-26. Review status: criteria provided, single submitter. Criteria: ACMG CNV Guidelines, 2011. Collection method: provider interpretation. Allele origin: maternal.
Comment: Copy number gains of the GUCA1A and GUCA1B genes have been observed in the ExAC database.

Single allele

Genes: C6orf132 (chromosome 6 open reading frame 132; minus strand), GUCA1A (guanylate cyclase activator 1A; plus strand), GUCA1B (guanylate cyclase activator 1B; minus strand). Cytogenetic location: 6p21.1.
Variant type: Duplication.
Identifiers: ClinVar variation 560051 (VCV000560051.3).